The following is an entry in ClinVar:

NM_005912.3(MC4R):c.283G>A (p.Val95Ile)

Gene: MC4R (melanocortin 4 receptor; minus strand). Cytogenetic location: 18q21.32.
Variant type: single nucleotide variant.
Coding change: c.283G>A on transcript NM_005912.3 (MANE Select); coding-DNA position 283, G replaced by A.
Protein change: p.Val95Ile; replaces valine 95 with isoleucine.
Molecular consequence: missense variant.
Genome position (GRCh38, 1-based): chr18:60,372,067, C>T on the plus strand (G>A on the coding strand, the complement: MC4R is on the minus strand). VCF-style: chr18-60372067-C-T. GRCh37 (hg19) VCF-style: chr18-58039300-C-T.
Other names: c.283G>A (NM_005912.2); short protein forms V95I.
Identifiers: ClinVar variation 3236583 (VCV003236583.2), dbSNP rs13447328, ClinGen allele CA8980948.

ClinVar aggregate classification (germline): Conflicting classifications of pathogenicity. Review status: criteria provided, conflicting classifications (1 of 4 stars). 2 submissions from 2 submitters: Likely pathogenic (1); Uncertain significance (1). Last evaluated 2024-11-26.

Conditions:
Inherited obesity. Also called: Monogenic Obesity. Identifiers: Orphanet 77828, MedGen C4054476, MONDO:0019182, OMIM 601665.
MC4R-related disorder. Also called: MC4R-related condition.

Allele frequency attached by ClinVar (database versions not stated): TOPMed 0.00004; gnomAD 0.00006; 1000 Genomes Project 0.00020; 1000 Genomes Project 30x 0.00031.
gnomAD v4.1: 110 of 1,614,172 alleles (0.0068%); highest among the groups gnomAD compares: South Asian, 0.012%; no homozygotes.

Submissions (2):

PreventionGenetics, part of Exact Sciences
Classification: Likely pathogenic for MC4R-related condition. Last evaluated: 2024-11-26. Review status: criteria provided, single submitter. Criteria: ACMG Guidelines, 2015. Collection method: clinical testing. Allele origin: germline.
Comment: The MC4R c.283G>A variant is predicted to result in the amino acid substitution p.Val95Ile. This variant has been reported in the heterozygous state in at least five individuals with severe obesity (Hinney et al. 2003. PubMed ID: 12970296; Lubrano-Berthelier et al. 2006. PubMed ID: 16507637; Stutzmann et al. 2008. PubMed ID: 18559663; Wangensteen et al. 2009. PubMed ID: 19301229; Kleinendorst et al. 2018. PubMed ID: 29970488). This variant is reported in 0.0098% of alleles in individuals of South Asian descent in gnomAD. Reports describing the functional consequence of this variant have been conflicting with some indicating that variant protein functions at or near wild-type levels (Mühlhaus et al. 2012. PubMed ID: 22688572; Lubrano-Berthelier et al. 2006. PubMed ID: 16507637) and others concluding that this variant causes significant loss-of-function (Hinney et al. 2003. PubMed ID: 12970296; Xiang et al. 2006. PubMed ID: 16752916; Lotta et al. 2019. PubMed ID: 31002796 ). Taken together, this variant is classified as likely pathogenic.

Clinical Genomics Laboratory, Washington University in St. Louis
Classification: Uncertain significance for Inherited obesity. Last evaluated: 2023-11-07. Review status: criteria provided, single submitter. Criteria: ACMG Guidelines, 2015. Collection method: clinical testing. Allele origin: germline.
Comment: The MC4R c.283G>A variant has been reported in at least five individuals with obesity, ranging from children to adults (Hinney A et al., PMID: 12970296; Kleinendorst L et al., PMID: 29970488; Lubrano-Berthelier C et al., PMID: 16507637; Moore BS et al., PMID: 24705671; Wangensteen T et al., PMID: 19301229). The highest population minor allele frequency in the population database genome aggregation database (v.2.1.1) is 0.005% in the East Asian population. Functional studies show decreased basal activity, indicating this variant impacts protein function (Hinney A et al., PMID: 12970296; Lubrano-Berthelier C et al., PMID: 16507637). Computational predictors suggest that the variant does not impact MC4R function. Due to conflicting information, and based on ACMG/AMP guidelines for variant interpretation (Richards S et al., PMID: 25741868), the clinical significance of this variant is uncertain at this time.